The following is an entry in ClinVar:

NM_025136.4(OPA3):c.47del (p.Ile16fs)

Genes: OPA3 (outer mitochondrial membrane lipid metabolism regulator OPA3; minus strand), OPA3-RTN2 (OPA3-RTN2 readthrough; minus strand), LOC130064709 (ATAC-STARR-seq lymphoblastoid active region 14802; plus strand). Cytogenetic location: 19q13.32.
Variant type: Deletion.
Coding change: c.47del on transcript NM_025136.4 (MANE Select); coding-DNA position 47, one base deleted (T; older notation c.47delT).
Protein change: p.Ile16fs; shifts the reading frame from isoleucine 16.
Molecular consequence: frameshift variant.
Genome position (GRCh38, 1-based): chr19:45,584,718, A deleted on the plus strand (T on the coding strand, the reverse complement: OPA3 is on the minus strand). VCF-style (leftmost placement, unchanged base first): chr19-45584717-GA-G. GRCh37 (hg19) VCF-style: chr19-46087975-GA-G.
Other names: c.47del, p.Ile16fs (NM_001017989.3); short protein forms I16fs.
Identifiers: ClinVar variation 5004196 (VCV005004196.1).
Genomic context (GRCh38, chr19:45,584,717, plus strand): 5'-GAACTCGCTTCGGCGGGCGGCCTCCTTAATACGGTTGGCAAGCGGCTTGCTGACCTGCCG[GA>G]TGCCCAAGTATAGCAGCTTCGCCATAGGGAACGCGCCCACCACCATCTTGGCGGTCTCAC-3'

ClinVar aggregate classification (germline): Likely pathogenic (1 of 4 stars; one submission).

Conditions:
3-Methylglutaconic aciduria type 3 (MGCA3). Also called: OPA3-Related 3-Methylglutaconic Aciduria; OPA3, AUTOSOMAL RECESSIVE; OPTIC ATROPHY 3, AUTOSOMAL RECESSIVE; Costeff Syndrome. Identifiers: Orphanet 67047, MedGen C0574084, MONDO:0009787, OMIM 258501.

Submission:

Myriad Genetics, Inc.
Classification: Likely pathogenic for 3-Methylglutaconic aciduria type 3. Last evaluated: 2025-10-01. Review status: criteria provided, single submitter. Criteria: Myriad Autosomal Dominant, Autosomal Recessive and X-Linked Classification Criteria (2023). Collection method: clinical testing. Allele origin: unknown.
Comment: NM_025136.3(OPA3):c.47delT(I16Tfs*56) is a frameshift variant classified as likely pathogenic in the context of Costeff optic atrophy syndrome. I16Tfs*56 has not been observed in cases with relevant disease. Relevant functional assessments of this variant are not available in the literature. Internal structural analysis of the variant is supportive of pathogenicity. I16Tfs*56 has not been observed in referenced population frequency databases. In summary, NM_025136.3(OPA3):c.47delT(I16Tfs*56) is a frameshift variant that has internal structural support for pathogenicity and has been observed more frequently in cases with the relevant disease than in healthy populations. Please note: this variant was assessed in the context of healthy population screening.